The following is an entry in ClinVar:

ClinVar aggregate classification (germline): Uncertain significance (1 of 4 stars; one submission).

Conditions:
Melanoma, cutaneous malignant, susceptibility to, 5. Also called: Cutaneous malignant melanoma 5. Identifiers: Orphanet 618, MedGen C2751295, MONDO:0013133, OMIM 613099.

Submission:

Labcorp Genetics (formerly Invitae), Labcorp
Classification: Uncertain significance for Melanoma, cutaneous malignant, susceptibility to, 5. Last evaluated: 2025-09-19. Review status: criteria provided, single submitter. Criteria: Invitae Variant Classification Sherloc (09022015). Collection method: clinical testing. Allele origin: germline.
Comment: This sequence change replaces serine, which is neutral and polar, with phenylalanine, which is neutral and non-polar, at codon 41 of the MC1R protein (p.Ser41Phe). This variant is not present in population databases (gnomAD no frequency). This missense change has been observed in individual(s) with melanoma (PMID: 17434924). Invitae Evidence Modeling of protein sequence and biophysical properties (such as structural, functional, and spatial information, amino acid conservation, physicochemical variation, residue mobility, and thermodynamic stability) indicates that this missense variant is not expected to disrupt MC1R protein function with a negative predictive value of 80%. Experimental studies have shown that this missense change affects MC1R function (PMID: 19338054). In summary, the available evidence is currently insufficient to determine the role of this variant in disease. Therefore, it has been classified as a Variant of Uncertain Significance.

Literature cited by the submitters: PubMed 17434924; PubMed 19338054.

NM_002386.4(MC1R):c.122C>T (p.Ser41Phe)

Gene: MC1R (melanocortin 1 receptor; plus strand). Cytogenetic location: 16q24.3.
Variant type: single nucleotide variant.
Coding change: c.122C>T on transcript NM_002386.4 (MANE Select); coding-DNA position 122, C replaced by T.
Protein change: p.Ser41Phe; replaces serine 41 with phenylalanine.
Molecular consequence: missense variant.
Genome position (GRCh38, 1-based): chr16:89,919,380, C>T. VCF-style: chr16-89919380-C-T. GRCh37 (hg19) VCF-style: chr16-89985788-C-T.
Other names: short protein forms S41F.
Identifiers: ClinVar variation 4750591 (VCV004750591.1).
Genomic context (GRCh38, chr16:89,919,380, plus strand): 5'-TCCCCCAGCTGGGGCTGGCTGCCAACCAGACAGGAGCCCGGTGCCTGGAGGTGTCCATCT[C>T]TGACGGGCTCTTCCTCAGCCTGGGGCTGGTGAGCTTGGTGGAGAACGCGCTGGTGGTGGC-3'
Protein context (NP_002377.4, residues 31-51): TGARCLEVSI[Ser41Phe]DGLFLSLGLV